The following is an entry in ClinVar:

NM_001202.6(BMP4):c.121_145del (p.His41fs)

Gene: BMP4 (bone morphogenetic protein 4; minus strand). Cytogenetic location: 14q22.2.
Variant type: Deletion.
Coding change: c.121_145del on transcript NM_001202.6 (MANE Select); coding-DNA positions 121 to 145, 25 bases deleted (CACGCGGGAGGACGCCGCTCAGGGC).
Protein change: p.His41fs; shifts the reading frame from histidine 41.
Molecular consequence: frameshift variant. On other transcripts: 5 prime UTR variant (3).
Genome position (GRCh38, 1-based): chr14:53,952,078-53,952,102, GCCCTGAGCGGCGTCCTCCCGCGTG deleted on the plus strand (CACGCGGGAGGACGCCGCTCAGGGC on the coding strand, the reverse complement: BMP4 is on the minus strand); deleting any 25 consecutive bases within chr14:53,952,078-53,952,109 gives the same sequence; the c. name uses the placement nearest the transcript's 3' end. VCF-style (leftmost placement, unchanged base first): chr14-53952077-TGCCCTGAGCGGCGTCCTCCCGCGTG-T. GRCh37 (hg19) VCF-style: chr14-54418795-TGCCCTGAGCGGCGTCCTCCCGCGTG-T.
Other names: c.262_286del, p.His88fs (NM_001347912.1); c.-69_-45del (NM_001347913.2, NM_001347915.2, NM_001347917.1); c.121_145del, p.His41fs (NM_001347914.2, NM_001347916.1, NM_130850.5 and 1 more transcripts); short protein forms H41fs, H88fs.
Identifiers: ClinVar variation 4880816 (VCV004880816.2).

ClinVar aggregate classification (germline): Likely pathogenic (1 of 4 stars; one submission).

Conditions:
Microphthalmia with brain and digit anomalies (MCOPS6). Also called: MICROPHTHALMIA AND PITUITARY ANOMALIES; Microphthalmia, syndromic 6. Identifiers: Orphanet 139471, MedGen C1864689, MONDO:0011936, OMIM 607932.

Submission:

Dasa
Classification: Likely pathogenic for Microphthalmia with brain and digit anomalies. Last evaluated: 2025-11-20. Review status: criteria provided, single submitter. Criteria: DASA Assertion Criteria. Collection method: clinical testing. Allele origin: germline.
Comment: NM_001202.6(BMP4):c.121_145del (p.His41Argfs*69) is a frameshift variant in BMP4 predicted to alter the reading frame and introduce a premature termination codon and is predicted to result in an absent or altered protein product. Loss of function is an established disease mechanism for BMP4 (PMID: 21340693; PMID: 18252212; PMID: 31053785). Also, this variant is absent from population databases. Based on the currently available evidence, this variant is classified as likely pathogenic.

Literature cited by the submitters: PubMed 21340693; PubMed 18252212; PubMed 31053785.